The following is an entry in ClinVar:

ClinVar aggregate classification (germline): Pathogenic (1 of 4 stars; one submission).

Conditions:
Severe combined immunodeficiency, autosomal recessive, T cell-negative, B cell-negative, NK cell-positive. Also called: SCID, T CELL-NEGATIVE, B CELL-NEGATIVE, NK CELL-POSITIVE; SCID, AR, T-cell negative, B-cell negative, NK cell-positive; Severe combined immunodeficiency due to complete RAG1/2 deficiency. Identifiers: Orphanet 331206, MedGen C1832322, MONDO:0011086, OMIM 601457.
Combined immunodeficiency with skin granulomas. Identifiers: Orphanet 157949, MedGen C2673536, MONDO:0009306, OMIM 233650.

Submission:

Labcorp Genetics (formerly Invitae), Labcorp
Classification: Pathogenic for Combined immunodeficiency with skin granulomas; Severe combined immunodeficiency, autosomal recessive, T cell-negative, B cell-negative, NK cell-positive. Last evaluated: 2022-08-07. Review status: criteria provided, single submitter. Criteria: Invitae Variant Classification Sherloc (09022015). Collection method: clinical testing. Allele origin: germline.
Comment: For these reasons, this variant has been classified as Pathogenic. This variant disrupts a region of the RAG1 protein in which other variant(s) (p.Arg716Trp) have been determined to be pathogenic (PMID: 15696198, 30778343). This suggests that this is a clinically significant region of the protein, and that variants that disrupt it are likely to be disease-causing. This variant has not been reported in the literature in individuals affected with RAG1-related conditions. This variant is not present in population databases (gnomAD no frequency). This sequence change creates a premature translational stop signal (p.Glu689*) in the RAG1 gene. While this is not anticipated to result in nonsense mediated decay, it is expected to disrupt the last 355 amino acid(s) of the RAG1 protein.

Literature cited by the submitters: PubMed 15696198; PubMed 30778343.

NM_000448.3(RAG1):c.2065G>T (p.Glu689Ter)

Gene: RAG1 (recombination activating 1; plus strand). Cytogenetic location: 11p12.
Variant type: single nucleotide variant.
Coding change: c.2065G>T on transcript NM_000448.3 (MANE Select); coding-DNA position 2065, G replaced by T.
Protein change: p.Glu689Ter; replaces glutamic acid 689 with a stop codon.
Molecular consequence: nonsense.
Genome position (GRCh38, 1-based): chr11:36,575,369, G>T. VCF-style: chr11-36575369-G-T. GRCh37 (hg19) VCF-style: chr11-36596919-G-T.
Other names: c.2065G>T, p.Glu689Ter (NM_001377277.1, NM_001377278.1, NM_001377279.1 and 1 more transcripts); short protein forms E689*.
Identifiers: ClinVar variation 2022529 (VCV002022529.4), dbSNP rs2133296872, ClinGen allele CA380153918.